The following is an entry in ClinVar:

ClinVar aggregate classification (germline): Pathogenic (1 of 4 stars; one submission).

Submission:

Labcorp Genetics (formerly Invitae), Labcorp
Classification: Pathogenic. Last evaluated: 2023-03-14. Review status: criteria provided, single submitter. Criteria: Invitae Variant Classification Sherloc (09022015). Collection method: clinical testing. Allele origin: germline.
Comment: For these reasons, this variant has been classified as Pathogenic. This variant has not been reported in the literature in individuals affected with KMT2A-related conditions. This variant is not present in population databases (gnomAD no frequency). This sequence change creates a premature translational stop signal (p.Ser775Cysfs*10) in the KMT2A gene. It is expected to result in an absent or disrupted protein product. Loss-of-function variants in KMT2A are known to be pathogenic (PMID: 22795537, 25574841, 25810209, 28120103, 29574747, 31157197, 31337854).

Literature cited by the submitters: PubMed 22795537; PubMed 25574841; PubMed 25810209; PubMed 28120103; PubMed 29574747; PubMed 31157197; PubMed 31337854.

NM_001197104.2(KMT2A):c.2324_2325del (p.Ser775fs)

Gene: KMT2A (lysine methyltransferase 2A; plus strand). Cytogenetic location: 11q23.3.
Variant type: Deletion.
Coding change: c.2324_2325del on transcript NM_001197104.2 (MANE Select); coding-DNA positions 2324 to 2325, 2 bases deleted (CT; older notation c.2324_2325delCT).
Protein change: p.Ser775fs; shifts the reading frame from serine 775.
Molecular consequence: frameshift variant.
Genome position (GRCh38, 1-based): chr11:118,473,483-118,473,484, CT deleted; deleting any 2 consecutive bases within chr11:118,473,482-118,473,484 gives the same sequence; the c. name uses the placement nearest the transcript's 3' end. VCF-style (leftmost placement, unchanged base first): chr11-118473481-TTC-T. GRCh37 (hg19) VCF-style: chr11-118344196-TTC-T.
Other names: c.2423_2424del, p.Ser808fs (NM_001412597.1); c.2324_2325del, p.Ser775fs (NM_005933.4); short protein forms S775fs, S808fs.
Identifiers: ClinVar variation 2845777 (VCV002845777.3), dbSNP rs2496808952, ClinGen allele CA2739271699.
Genomic context (GRCh38, chr11:118,473,481, plus strand): 5'-CATGAGGACAAGAAGTGGAAGGCTTAGTAGTTCTGAGCTCTCACCTCTCACCCCCCCGTC[TTC>T]TGTCTCTTCCTCGTTAAGCATTTCTGTTAGTCCTCTTGCCACTAGTGCCTTAAACCCAAC-3'